The following is an entry in ClinVar:

ClinVar aggregate classification (germline): Uncertain significance (1 of 4 stars; one submission).

Conditions:
Familial thoracic aortic aneurysm and aortic dissection (TAAD). Also called: Thoracic aortic aneurysms and dissections. Identifiers: Orphanet 91387, MedGen C4707243, MONDO:0019625.

Allele frequency attached by ClinVar (database versions not stated): gnomAD exomes 0.00001; ExAC 0.00002.

Submission:

Color Diagnostics, LLC DBA Color Health
Classification: Uncertain significance for Familial thoracic aortic aneurysm and aortic dissection. Last evaluated: 2024-03-06. Review status: criteria provided, single submitter. Criteria: ACMG Guidelines, 2015. Collection method: clinical testing. Allele origin: germline.
Comment: This missense variant replaces histidine with asparagine at codon 784 of the MYH11 protein. Computational prediction suggests that this variant may not impact protein structure and function (internally defined REVEL score threshold <= 0.5, PMID: 27666373). To our knowledge, functional studies have not been reported for this variant. This variant has not been reported in individuals affected with MYH11-related disorders in the literature. This variant has been identified in 2/251496 chromosomes in the general population by the Genome Aggregation Database (gnomAD). The available evidence is insufficient to determine the role of this variant in disease conclusively. Therefore, this variant is classified as a Variant of Uncertain Significance.

NM_002474.3(MYH11):c.2329C>A (p.His777Asn)

Gene: MYH11 (myosin heavy chain 11; minus strand). Cytogenetic location: 16p13.11.
Variant type: single nucleotide variant.
Coding change: c.2329C>A on transcript NM_002474.3 (MANE Select); coding-DNA position 2329, C replaced by A.
Protein change: p.His777Asn; replaces histidine 777 with asparagine.
Molecular consequence: missense variant.
Genome position (GRCh38, 1-based): chr16:15,747,652, G>T on the plus strand (C>A on the coding strand, the complement: MYH11 is on the minus strand). VCF-style: chr16-15747652-G-T. GRCh37 (hg19) VCF-style: chr16-15841509-G-T.
Other names: c.2350C>A, p.His784Asn (NM_001040113.2, NM_001040114.2); c.2329C>A, p.His777Asn (NM_022844.3); short protein forms H777N, H784N.
Identifiers: ClinVar variation 922631 (VCV000922631.5), dbSNP rs767136120, ClinGen allele CA7922312.